The following is an entry in ClinVar:

ClinVar aggregate classification (germline): Uncertain significance (1 of 4 stars; one submission).

Conditions:
SDCCAG8-related disorder. Also called: SDCCAG8-related condition; SDCCAG8-Related Disorders.

Submission:

PreventionGenetics, part of Exact Sciences
Classification: Uncertain significance for SDCCAG8-related condition. Last evaluated: 2026-01-12. Review status: criteria provided, single submitter. Criteria: ACMG Guidelines, 2015. Collection method: clinical testing. Allele origin: germline.
Comment: The SDCCAG8 c.1790C>T variant is predicted to result in the amino acid substitution p.Thr597Ile. To our knowledge, this variant has not been reported in the literature or in a large population database (gnomAD), indicating this variant is rare. At this time, the clinical significance of this variant is uncertain due to the absence of conclusive functional and genetic evidence.

NM_006642.5(SDCCAG8):c.1790C>T (p.Thr597Ile)

Gene: SDCCAG8 (SHH signaling and ciliogenesis regulator SDCCAG8; plus strand). Cytogenetic location: 1q43.
Variant type: single nucleotide variant.
Coding change: c.1790C>T on transcript NM_006642.5 (MANE Select); coding-DNA position 1790, C replaced by T.
Protein change: p.Thr597Ile; replaces threonine 597 with isoleucine.
Molecular consequence: missense variant.
Genome position (GRCh38, 1-based): chr1:243,418,013, C>T. VCF-style: chr1-243418013-C-T. GRCh37 (hg19) VCF-style: chr1-243581315-C-T.
Other names: c.887C>T, p.Thr296Ile (NM_001350246.2, NM_001350247.2, NM_001350251.2); c.1886C>T, p.Thr629Ile (NM_001350248.2); c.1496C>T, p.Thr499Ile (NM_001350249.2); short protein forms T296I, T499I, T597I, T629I.
Identifiers: ClinVar variation 4996116 (VCV004996116.1).